The following is an entry in ClinVar:

ClinVar aggregate classification (germline): Likely benign (1 of 4 stars; one submission).

Submission:

Center for Genomic Medicine, Rigshospitalet, Copenhagen University Hospital
Classification: Likely benign. Last evaluated: 2025-03-04. Review status: criteria provided, single submitter. Criteria: ACMG Guidelines, 2015. Collection method: clinical testing. Allele origin: germline.
Comment: Classification criteria: BP4+BP7

NM_000535.7(PMS2):c.2445+45del

Gene: PMS2 (PMS1 homolog 2, mismatch repair system component; minus strand). Cytogenetic location: 7p22.1.
Variant type: Deletion.
Coding change: c.2445+45del on transcript NM_000535.7 (MANE Select); 45 bases into the intron after coding-DNA position 2445, one base deleted (C; older notation c.2445+45delC).
Molecular consequence: intron variant.
Genome position (GRCh38, 1-based): chr7:5,977,543, G deleted on the plus strand (C on the coding strand, the reverse complement: PMS2 is on the minus strand). VCF-style (leftmost placement, unchanged base first): chr7-5977542-TG-T. GRCh37 (hg19) VCF-style: chr7-6017173-TG-T.
Other names: c.2121+45del (NM_001406884.1); c.2277+45del (NM_001406874.1, NM_001406872.1); c.1512+45del (NM_001322011.2, NM_001322012.2); c.2337+45del (NM_001406869.1); c.2247+45del (NM_001406873.1); c.1242+45del (NM_001406912.1); c.2289+45del (NM_001322006.2); c.2322+45del (NM_001406870.1); and 21 more.
Identifiers: ClinVar variation 3765425 (VCV003765425.1).
Genomic context (GRCh38, chr7:5,977,542, plus strand): 5'-AATCACAAAGGCGTTTACAACCTTGACCAAATCAGGAGCTGGGCTGAGACCTTCCTCGAC[TG>T]CAAGCTTGAGCAGCTGAGCTGACAGCCAGGCTTTCTTTACTTACCGACTTCCGGCAGGCT-3'